The following is an entry in ClinVar:

ClinVar aggregate classification (germline): Likely pathogenic (1 of 4 stars; one submission).

Conditions:
Dilated cardiomyopathy 1R (CMD1R). Identifiers: Orphanet 154, Orphanet 54260, MedGen C3150681, MONDO:0013261, OMIM 613424.
Atrial septal defect 5 (ASD5). Identifiers: Orphanet 1478, MedGen C2748552, MONDO:0013011, OMIM 612794.
Hypertrophic cardiomyopathy 11. Also called: ACTC1-Related Familial Hypertrophic Cardiomyopathy. Identifiers: MedGen C2677506, MONDO:0012799, OMIM 612098.

Submission:

Labcorp Genetics (formerly Invitae), Labcorp
Classification: Likely pathogenic for Dilated cardiomyopathy 1R; Hypertrophic cardiomyopathy 11; Atrial septal defect 5. Last evaluated: 2021-07-08. Review status: criteria provided, single submitter. Criteria: Invitae Variant Classification Sherloc (09022015). Collection method: clinical testing. Allele origin: germline.
Comment: In summary, the currently available evidence indicates that the variant is pathogenic, but additional data are needed to prove that conclusively. Therefore, this variant has been classified as Likely Pathogenic. Algorithms developed to predict the effect of missense changes on protein structure and function (SIFT, PolyPhen-2, Align-GVGD) all suggest that this variant is likely to be disruptive. This variant has been observed in individual(s) with ACTC1-related conditions (Invitae). In at least one individual the variant was observed to be de novo. This variant is not present in population databases (ExAC no frequency). This sequence change replaces lysine with threonine at codon 52 of the ACTC1 protein (p.Lys52Thr). The lysine residue is highly conserved and there is a moderate physicochemical difference between lysine and threonine.

NM_005159.5(ACTC1):c.155A>C (p.Lys52Thr)

Genes: ACTC1 (actin alpha cardiac muscle 1; minus strand), GJD2-DT (GJD2 divergent transcript; plus strand). Cytogenetic location: 15q14.
Variant type: single nucleotide variant.
Coding change: c.155A>C on transcript NM_005159.5 (MANE Select); coding-DNA position 155, A replaced by C.
Protein change: p.Lys52Thr; replaces lysine 52 with threonine.
Molecular consequence: missense variant.
Genome position (GRCh38, 1-based): chr15:34,793,544, T>G on the plus strand (A>C on the coding strand, the complement: ACTC1 is on the minus strand). VCF-style: chr15-34793544-T-G. GRCh37 (hg19) VCF-style: chr15-35085745-T-G.
Other names: short protein forms K52T.
Identifiers: ClinVar variation 1469293 (VCV001469293.8), dbSNP rs2140432240, ClinGen allele CA391632191.